The following is an entry in ClinVar:

ClinVar aggregate classification (germline): Uncertain significance (1 of 4 stars; one submission).

Conditions:
Cardiovascular phenotype. Identifiers: MedGen CN230736.

Submission:

Ambry Genetics
Classification: Uncertain significance for Cardiovascular phenotype. Last evaluated: 2025-12-01. Review status: criteria provided, single submitter. Criteria: Ambry Variant Classification Scheme 2023. Collection method: clinical testing. Allele origin: germline.
Comment: The p.Q1165H variant (also known as c.3495G>T), located in coding exon 26 of the JAG1 gene, results from a G to T substitution at nucleotide position 3495. The glutamine at codon 1165 is replaced by histidine, an amino acid with highly similar properties. This amino acid position is conserved. In addition, this alteration is predicted to be tolerated by in silico analysis. Based on the available evidence, the clinical significance of this variant remains unclear.

NM_000214.3(JAG1):c.3495G>T (p.Gln1165His)

Gene: JAG1 (jagged canonical Notch ligand 1; minus strand). Cytogenetic location: 20p12.2.
Variant type: single nucleotide variant.
Coding change: c.3495G>T on transcript NM_000214.3 (MANE Select); coding-DNA position 3495, G replaced by T.
Protein change: p.Gln1165His; replaces glutamine 1165 with histidine.
Molecular consequence: missense variant.
Genome position (GRCh38, 1-based): chr20:10,639,660, C>A on the plus strand (G>T on the coding strand, the complement: JAG1 is on the minus strand). VCF-style: chr20-10639660-C-A. GRCh37 (hg19) VCF-style: chr20-10620308-C-A.
Other names: short protein forms Q1165H.
Identifiers: ClinVar variation 4614289 (VCV004614289.1).
Genomic context (GRCh38, chr20:10,639,660, plus strand): 5'-GGGCTTCTCTTCTCTGTCTACCAGCGTGTACGCCGGCTGCTTGGCAAACCGGGCTTTCTG[C>A]TGGTGTTTGTCCATGTCGTCCTCTTCTACTTCAGAATTGTGTGTCCTTATTTTAGACATT-3'
Protein context (NP_000205.1, residues 1155-1175): EVEEDDMDKH[Gln1165His]QKARFAKQPA